The following is an entry in ClinVar:

ClinVar aggregate classification (germline): Pathogenic/Likely pathogenic. Review status: criteria provided, multiple submitters, no conflicts (2 of 4 stars). 10 submissions from 10 submitters: Pathogenic (8); Likely pathogenic (1). 1 of the submissions does not count toward it. Last evaluated 2025-12-18.

Conditions:
Gaucher disease type I (GD1). Also called: GD 1; ACID BETA-GLUCOSIDASE DEFICIENCY; GAUCHER DISEASE, NONCEREBRAL JUVENILE; GBA DEFICIENCY; GD I; GLUCOCEREBROSIDASE DEFICIENCY. Identifiers: Orphanet 355, Orphanet 77259, MedGen C1961835, MONDO:0009265, OMIM 230800.
Gaucher disease type II (GD2). Also called: Acute neuronopathic Gaucher's disease; GAUCHER DISEASE, ACUTE NEURONOPATHIC TYPE; GD II; Type 2 Gaucher disease (Acute; Infantile). Identifiers: Orphanet 77260, MedGen C0268250, MONDO:0009266, OMIM 230900.
Gaucher disease type III. Also called: Subacute neuronopathic Gaucher's disease; GAUCHER DISEASE, CHRONIC NEURONOPATHIC TYPE; GAUCHER DISEASE, JUVENILE AND ADULT, CEREBRAL; GAUCHER DISEASE, SUBACUTE NEURONOPATHIC TYPE; GD III; Type 3 Gaucher disease (Subacute; Juvenile). Identifiers: Orphanet 355, Orphanet 77261, MedGen C0268251, MONDO:0009267, OMIM 231000.
Gaucher disease-ophthalmoplegia-cardiovascular calcification syndrome. Also called: GAUCHER DISEASE, TYPE IIIC. Identifiers: Orphanet 2072, MedGen C1856476, MONDO:0009268, OMIM 231005.
Gaucher disease. Also called: Acute cerebral Gaucher disease; Cerebroside lipidosis syndrome; Gaucher splenomegaly; Sphingolipidosis 1; Glucocerebrosidosis; Glucosylceramidase deficiency. Identifiers: Orphanet 355, MedGen C0017205, MONDO:0018150.

Allele frequency attached by ClinVar (database versions not stated): gnomAD exomes 0.00001; ExAC 0.00001; gnomAD 0.00001.
gnomAD v4.1: 5 of 1,612,412 alleles (0.00031%); highest among the groups gnomAD compares: Admixed American, 0.0017%; no homozygotes.

Submissions 1 to 7 of 10:

Natera, Inc.
Classification: Pathogenic for Gaucher disease. Last evaluated: 2025-12-18. Review status: criteria provided, single submitter. Criteria: Natera Variant Classification Schema (03/2026). Collection method: clinical testing. Allele origin: germline.
Comment: The c.1505G>A variant in GBA1 is a missense variant predicted to cause substitution of arginine to histidine at amino acid 502. This variant is rare in the general population with a frequency below the threshold expected for the associated phenotype(s). This variant has been observed in one or more individuals affected with the associated recessive disease, as either homozygous or compound heterozygous with a second variant (PMID: 17427031). Computational prediction algorithms indicate this variant is likely to affect gene or protein function. Given the available evidence, this variant is classified as Pathogenic.

Revvity Omics, Revvity
Classification: Pathogenic. Last evaluated: 2024-12-05. Review status: criteria provided, single submitter. Criteria: ACMG Guidelines, 2015. Collection method: clinical testing. Allele origin: germline.

ARUP Laboratories, Molecular Genetics and Genomics, ARUP Laboratories
Classification: Pathogenic. Last evaluated: 2024-06-28. Review status: criteria provided, single submitter. Criteria: ARUP Molecular Germline Variant Investigation Process 2024. Collection method: clinical testing. Allele origin: germline.
Comment: The GBA c.1505G>A; p.Arg502His variant (rs80356772, ClinVar Variation ID: 21070, also known as Arg463His for legacy nomenclature) is reported in the literature in the homozygous or compound heterozygous state in several individuals affected with Gaucher disease (Alfonso 2007, Bjelobrk 2021, Haverkaemper 2011, Higashi 2024, Lepe-Balsalobre 2020). This variant is only found on two alleles in the Genome Aggregation Database (v2.1.1), indicating it is not a common polymorphism. Computational analyses predict that this variant is deleterious (REVEL: 0.84). Based on available information, this variant is considered to be pathogenic. References: Alfonso P et al. Mutation analysis and genotype/phenotype relationships of Gaucher disease patients in Spain. J Hum Genet. 2007;52(5):391-396. PMID: 17427031. Bjelobrk M et al. Cardiopulmonary assessment of patients diagnosed with Gaucher's disease type I. Mol Genet Genomic Med. 2021 Aug;9(8):e1757. PMID: 34275192. Haverkaemper S et al. Congenital ichthyosis in severe type II Gaucher disease with a homozygous null mutation. Neonatology. 2011;100(2):194-7. PMID: 21455010. Higashi K et al. Rapid and long-lasting efficacy of high-dose ambroxol therapy for neuronopathic Gaucher disease: A case report and literature review. Mol Genet Genomic Med. 2024 Apr;12(4):e2427. PMID: 38553911. Lepe-Balsalobre E et al. Genotype/phenotype relationship in Gaucher disease patients. Novel mutation in glucocerebrosidase gene. Clin Chem Lab Med. 2020 Jun 25;58(12):2017-2024. PMID: 32589593.

Labcorp Genetics (formerly Invitae), Labcorp
Classification: Pathogenic. Last evaluated: 2024-02-16. Review status: criteria provided, single submitter. Criteria: Invitae Variant Classification Sherloc (09022015). Collection method: clinical testing. Allele origin: germline.
Comment: This sequence change affects codon 502 of the GBA mRNA. It is a 'silent' change, meaning that it does not change the encoded amino acid sequence of the GBA protein. RNA analysis indicates that this variant induces altered splicing and likely disrupts the C-terminus of the protein. The frequency data for this variant in the population databases (gnomAD) is considered unreliable due to the presence of homologous sequence, such as pseudogenes or paralogs, in the genome. This variant has been observed in individuals with dementia with Lewy bodies, Gaucher disease, and/or Parkinson's disease (PMID: 7694727, 17427031, 21455010, 22812582, 23588557, 24313877, 29140481). This variant is also known as IVS10-1G>A, p.Arg463His, or R463H. ClinVar contains an entry for this variant (Variation ID: 21070). An algorithm developed to predict the effect of missense changes on protein structure and function (PolyPhen-2) suggests that this variant is likely to be disruptive. Variants that disrupt the consensus splice site are a relatively common cause of aberrant splicing (PMID: 17576681, 9536098). Studies have shown that this variant results in inclusion of 12 base pairs from intron 11 (also known as intron 10) and introduces a new termination codon (PMID: 7694727). However the mRNA is not expected to undergo nonsense-mediated decay. For these reasons, this variant has been classified as Pathogenic.

CeGaT Center for Human Genetics Tuebingen
Classification: Pathogenic. Last evaluated: 2022-03-01. Review status: criteria provided, single submitter. Criteria: CeGaT Center For Human Genetics Tuebingen Variant Classification Criteria Version 2. Collection method: clinical testing. Allele origin: germline. Affected: yes. Observed: 3 variant alleles.
Comment: GBA1: PM3:Strong, PS3, PM2, PP4:Moderate

Broad Center for Mendelian Genomics, Broad Institute of MIT and Harvard
Classification: Pathogenic for Gaucher disease type I. Last evaluated: 2020-01-22. Review status: criteria provided, single submitter. Criteria: ACMG Guidelines, 2015. Collection method: curation. Allele origin: germline. Inheritance: Autosomal recessive inheritance.
Comment: The p.Arg502His variant in GBA has been reported in at least 8 individuals with Gaucher disease (PMID: 23332636, 17427031, 28727984, 25435509; doi:10.4172/2167-0889.1000122) and has been identified in 0.003% (1/34592) of Latino chromosomes and 0.001% (1/113456) of European chromosomes by the Genome Aggregation Database (gnomAD; dbSNP rs80356772). Although this variant has been seen in the general population, its frequency is low enough to be consistent with a recessive carrier frequency. This variant has also been reported in ClinVar (VariationID: 21070) as likely pathogenic by Counsyl. Computational prediction tools and conservation analyses suggest that this variant may impact the protein, though this information is not predictive enough to determine pathogenicity. This variant is located in the last base of the exon, which is part of the 5' splice region. Additional computational tools do suggest an impact to splicing. However, this information is not predictive enough to determine pathogenicity. One additional pathogenic variant, resulting in a different amino acid change at the same position, p.Arg502Cys, has been reported in association with disease in ClinVar, supporting that a change at this position may not be tolerated (VariationID: 4295). Additionally, the presence of this variant in combination with reported pathogenic variants and in 6 individuals with Gaucher disease increases the likelihood that the p.Arg502His variant is pathogenic (VariationID: 4290, 4288; PMID: 23332636, 17427031, 28727984, doi:10.4172/2167-0889.1000122). The phenotype of an individual compound heterozygous for this variant is highly specific for Gaucher disease based on glucocerebrosidase activity being <10% of normal, consistent with disease (doi:10.4172/2167-0889.1000122). In summary, this variant meets criteria to be classified as pathogenic for Gaucher disease in an autosomal recessive manner based on the presence of the variant in combination with other pathogenic variants, the presence of another pathogenic variant at the same location, and the presence of the variant in an individual with a phenotype specific to the disease. ACMG/AMP Criteria applied: PM3_strong, PM2, PM5, PP3, PP4 (Richards 2015).

Myriad Genetics, Inc.
Classification: Likely pathogenic for Gaucher disease type I. Last evaluated: 2019-12-26. Review status: criteria provided, single submitter. Criteria: Myriad Women's Health Autosomal Recessive and X-Linked Classification Criteria (2019). Collection method: clinical testing. Allele origin: unknown.
Comment: NM_001005741.2(GBA):c.1505G>A(R502H, aka R463H) is classified as likely pathogenic in the context of Gaucher disease. Sources cited for classification include the following: PMID 23056756, 24278166, 22429443, 17427031, 21823541, and 21455010. Classification of NM_001005741.2(GBA):c.1505G>A(R502H, aka R463H) is based on the following criteria: This variant has been observed more frequently in patients with clinical diagnoses and is very rare or not present in genetic databases of healthy individuals. Please note: this variant was assessed in the context of healthy population screening.

NM_000157.4(GBA1):c.1505G>A (p.Arg502His)

Genes: GBA1 (glucosylceramidase beta 1; minus strand), LOC106627981 (GBA recombination region; plus strand). Cytogenetic location: 1q22.
Variant type: single nucleotide variant.
Coding change: c.1505G>A on transcript NM_000157.4 (MANE Select); coding-DNA position 1505, G replaced by A.
Protein change: p.Arg502His; replaces arginine 502 with histidine.
Molecular consequence: missense variant.
Genome position (GRCh38, 1-based): chr1:155,235,195, C>T on the plus strand (G>A on the coding strand, the complement: GBA1 is on the minus strand). VCF-style: chr1-155235195-C-T. GRCh37 (hg19) VCF-style: chr1-155204986-C-T.
Other names: c.1505G>A, p.Arg502His (NM_001005741.3, NM_001005742.3); c.1244G>A, p.Arg415His (NM_001171811.2); c.1358G>A, p.Arg453His (NM_001171812.2); c.1505G>A (NM_000157.3); short protein forms R502H, R453H, R415H.
Identifiers: ClinVar variation 21070 (VCV000021070.68), dbSNP rs80356772, ClinGen allele CA341578.